The following is an entry in ClinVar:

ClinVar aggregate classification (germline): Uncertain significance (1 of 4 stars; one submission).

Submission:

Women's Health and Genetics/Laboratory Corporation of America, LabCorp
Classification: Uncertain significance. Last evaluated: 2025-10-06. Review status: criteria provided, single submitter. Criteria: LabCorp Variant Classification Summary - May 2015. Collection method: clinical testing. Allele origin: germline.
Comment: Variant summary: KIF2A c.641C>T (p.Thr214Ile) results in a non-conservative amino acid change in the encoded protein sequence. Algorithms developed to predict the effect of missense changes on protein structure and function are either unavailable or do not agree on the potential impact of this missense change. The variant was absent in 245160 control chromosomes. The available data on variant occurrences in the general population are insufficient to allow any conclusion about variant significance. To our knowledge, no occurrence of c.641C>T in individuals affected with KIF2A-related conditions and no experimental evidence demonstrating its impact on protein function have been reported. No submitters have cited clinical-significance assessments for this variant to ClinVar. Based on the evidence outlined above, the variant was classified as uncertain significance.

NM_001098511.3(KIF2A):c.641C>T (p.Thr214Ile)

Gene: KIF2A (kinesin family member 2A; plus strand). Cytogenetic location: 5q12.1.
Variant type: single nucleotide variant.
Coding change: c.641C>T on transcript NM_001098511.3 (MANE Select); coding-DNA position 641, C replaced by T.
Protein change: p.Thr214Ile; replaces threonine 214 with isoleucine.
Molecular consequence: missense variant.
Genome position (GRCh38, 1-based): chr5:62,355,241, C>T. VCF-style: chr5-62355241-C-T. GRCh37 (hg19) VCF-style: chr5-61651068-C-T.
Other names: c.560C>T, p.Thr187Ile (NM_001243952.2); c.584C>T, p.Thr195Ile (NM_001243953.2); c.641C>T, p.Thr214Ile (NM_004520.5); short protein forms T187I, T195I, T214I.
Identifiers: ClinVar variation 4687572 (VCV004687572.1).